The following is an entry in ClinVar:

ClinVar aggregate classification (germline): Pathogenic (1 of 4 stars; one submission).

Conditions:
Primary ciliary dyskinesia 3. Identifiers: Orphanet 244, MedGen C1837618, MONDO:0012085, OMIM 608644.

Submission:

Myriad Genetics, Inc.
Classification: Pathogenic for Primary ciliary dyskinesia 3. Last evaluated: 2024-05-14. Review status: criteria provided, single submitter. Criteria: Myriad Autosomal Dominant, Autosomal Recessive and X-Linked Classification Criteria (2023). Collection method: clinical testing. Allele origin: unknown.
Comment: NM_001369.2(DNAH5):c.11235del1ins9(H3745Qfs*5) is expected to be pathogenic in the context of primary ciliary dyskinesia, DNAH5-related. This variant is predicted to lead to an abnormal or absent protein product due to the creation of a premature termination codon in DNAH5, a gene where loss-of-function variants are known to be pathogenic. Please note: this variant was assessed in the context of healthy population screening.

NM_001369.3(DNAH5):c.11235delinsGCAGCACGA (p.His3745fs)

Genes: DNAH5 (dynein axonemal heavy chain 5; minus strand), LOC107457585 (meiotic recombination hotspot J; plus strand). Cytogenetic location: 5p15.2.
Variant type: Indel.
Coding change: c.11235delinsGCAGCACGA on transcript NM_001369.3 (MANE Select); coding-DNA position 11235, T replaced by GCAGCACGA.
Protein change: p.His3745fs; shifts the reading frame from histidine 3745.
Molecular consequence: frameshift variant.
Genome position (GRCh38, 1-based): chr5:13,737,472, A replaced by TCGTGCTGC on the plus strand (T replaced by GCAGCACGA on the coding strand, the reverse complement: DNAH5 is on the minus strand). VCF-style: chr5-13737472-A-TCGTGCTGC. GRCh37 (hg19) VCF-style: chr5-13737581-A-TCGTGCTGC.
Other names: short protein forms H3745fs.
Identifiers: ClinVar variation 5016438 (VCV005016438.1).
Genomic context (GRCh38, chr5:13,737,472, plus strand): 5'-AAGCAAGTTATCTTCTAGTTCCTTCATCCTTCTTTTGTTTGCAGTTACATCTTCCATCAG[A>TCGTGCTGC]TGAGTTCTTTCTTTCTCCAATTCCTATTAATTTGCATAAATATATTTTCTACCTCAATTA-3'